The following is an entry in ClinVar:

NM_000059.4(BRCA2):c.9118-5T>A

Gene: BRCA2 (BRCA2 DNA repair associated; plus strand). Cytogenetic location: 13q13.1.
Variant type: single nucleotide variant.
Coding change: c.9118-5T>A on transcript NM_000059.4 (MANE Select); 5 bases into the intron before coding-DNA position 9118, T replaced by A.
Molecular consequence: intron variant.
Genome position (GRCh38, 1-based): chr13:32,380,002, T>A. VCF-style: chr13-32380002-T-A. GRCh37 (hg19) VCF-style: chr13-32954139-T-A.
Identifiers: ClinVar variation 842491 (VCV000842491.13), dbSNP rs879255299, ClinGen allele CA916080543.
Genomic context (GRCh38, chr13:32,380,002, plus strand): 5'-TTTTGATAAGTGCTTGTTAGTTTATGGAATCTCCATATGTTGAATTTTTGTTTTGTTTTC[T>A]GTAGGTTTCAGATGAAATTTTATTTCAGATTTACCAGCCACGGGAGCCCCTTCACTTCAG-3'

ClinVar aggregate classification (germline): Uncertain significance. Review status: criteria provided, multiple submitters, no conflicts (2 of 4 stars). 2 submissions from 2 submitters: Uncertain significance (2). Last evaluated 2024-04-05.

Conditions:
Hereditary breast ovarian cancer syndrome. Also called: Breast and ovarian cancer; Hereditary breast and ovarian cancer syndrome; Hereditary breast and ovarian cancer syndrome (HBOC); BRCA1- and BRCA2-Associated Hereditary Breast and Ovarian Cancer; Hereditary breast and ovarian cancer; Hereditary breast and/or ovarian cancer syndrome. Identifiers: Orphanet 145, MedGen C0677776, MeSH D061325, MONDO:0003582. Disease mechanism: loss of function.
Familial cancer of breast. Also called: hereditary breast carcinoma; BREAST CANCER, FAMILIAL; Hereditary breast cancer. Identifiers: Orphanet 227535, MedGen C0346153, MONDO:0016419, OMIM 114480. Disease mechanism: loss of function.

Submissions (2):

Labcorp Genetics (formerly Invitae), Labcorp
Classification: Uncertain significance for Hereditary breast ovarian cancer syndrome. Last evaluated: 2024-04-05. Review status: criteria provided, single submitter. Criteria: Invitae Variant Classification Sherloc (09022015). Collection method: clinical testing. Allele origin: germline.
Comment: This sequence change falls in intron 23 of the BRCA2 gene. It does not directly change the encoded amino acid sequence of the BRCA2 protein. This variant is not present in population databases (gnomAD no frequency). This variant has not been reported in the literature in individuals affected with BRCA2-related conditions. ClinVar contains an entry for this variant (Variation ID: 842491). Algorithms developed to predict the effect of sequence changes on RNA splicing suggest that this variant may disrupt the consensus splice site. In summary, the available evidence is currently insufficient to determine the role of this variant in disease. Therefore, it has been classified as a Variant of Uncertain Significance.

Baylor Genetics
Classification: Uncertain significance for Familial cancer of breast. Last evaluated: 2023-08-09. Review status: criteria provided, single submitter. Criteria: ACMG Guidelines, 2015. Collection method: clinical testing. Allele origin: unknown.